The following is an entry in ClinVar:

NM_000368.5(TSC1):c.1206T>C (p.His402=)

Gene: TSC1 (TSC complex subunit 1; minus strand). Cytogenetic location: 9q34.13.
Variant type: single nucleotide variant.
Coding change: c.1206T>C on transcript NM_000368.5 (MANE Select); coding-DNA position 1206, T replaced by C.
Protein change: p.His402=; no amino-acid change (histidine 402 retained).
Molecular consequence: synonymous variant.
Genome position (GRCh38, 1-based): chr9:132,910,628, A>G on the plus strand (T>C on the coding strand, the complement: TSC1 is on the minus strand). VCF-style: chr9-132910628-A-G. GRCh37 (hg19) VCF-style: chr9-135786015-A-G.
Other names: c.1206T>C (NM_000368.4); c.1203T>C, p.His401= (NM_001162426.2); c.1053T>C, p.His351= (NM_001162427.2); c.843T>C, p.His281= (NM_001362177.2).
Identifiers: ClinVar variation 1539836 (VCV001539836.11), dbSNP rs1845902050, ClinGen allele CA467593220.

ClinVar aggregate classification (germline): Benign/Likely benign. Review status: criteria provided, multiple submitters, no conflicts (2 of 4 stars). 4 submissions from 4 submitters: Benign (1); Likely benign (3). Last evaluated 2025-04-09.

Conditions:
Hereditary cancer-predisposing syndrome. Also called: Tumor predisposition; Hereditary Cancer Syndrome; Hereditary neoplastic syndrome; Neoplastic Syndromes, Hereditary. Identifiers: Orphanet 140162, MedGen C0027672, MeSH D009386, MONDO:0015356.
Tuberous sclerosis syndrome (TSC). Also called: Tuberous Sclerosis Complex; Tuberous sclerosis. Identifiers: Orphanet 805, MedGen C0041341, MONDO:0001734.
Tuberous sclerosis 1 (TSC1). Identifiers: Orphanet 805, MedGen C1854465, MONDO:0008612, OMIM 191100.

Allele frequency attached by ClinVar (database versions not stated): gnomAD exomes 0.00001.
gnomAD v4.1: 7 of 1,614,122 alleles (0.00043%); highest among the groups gnomAD compares: Non-Finnish European, 0.00059%; no homozygotes.

Submissions (4):

Myriad Genetics, Inc.
Classification: Benign for Tuberous sclerosis 1. Last evaluated: 2025-04-09. Review status: criteria provided, single submitter. Criteria: Myriad Autosomal Dominant, Autosomal Recessive and X-Linked Classification Criteria (2023). Collection method: clinical testing. Allele origin: unknown.
Comment: This variant is considered benign. This variant is a silent/synonymous amino acid change and it is not expected to impact splicing.

Ambry Genetics
Classification: Likely benign for Hereditary cancer-predisposing syndrome. Last evaluated: 2025-03-09. Review status: criteria provided, single submitter. Criteria: Ambry Variant Classification Scheme 2023. Collection method: clinical testing. Allele origin: germline.

Labcorp Genetics (formerly Invitae), Labcorp
Classification: Likely benign for Tuberous sclerosis 1. Last evaluated: 2024-02-14. Review status: criteria provided, single submitter. Criteria: Invitae Variant Classification Sherloc (09022015). Collection method: clinical testing. Allele origin: germline.

All of Us Research Program, National Institutes of Health
Classification: Likely benign for Tuberous sclerosis syndrome. Last evaluated: 2023-05-04. Review status: criteria provided, single submitter. Criteria: ACMG Guidelines, 2015. Collection method: clinical testing. Allele origin: germline. Inheritance: Autosomal dominant inheritance. Observed: 1 variant allele, 1 heterozygote.
Comment: This study involves interpretation of variants in research participants for the purpose of population health screening. Participant phenotype was not available at the time of variant classification. Additional details can be found in publication PMID: 35346344, PMCID: PMC8962531